The following is an entry in ClinVar:

ClinVar aggregate classification (germline): Uncertain significance. Review status: criteria provided, multiple submitters, no conflicts (2 of 4 stars). 5 submissions from 5 submitters: Uncertain significance (5). Last evaluated 2022-10-24.

Conditions:
Inborn genetic diseases. Identifiers: MedGen C0950123, MeSH D030342.
Gamma-aminobutyric acid transaminase deficiency (GABATD). Also called: GABA aminotransaminase deficiency; GABA transaminase deficiency; Gamma aminobutyrate transaminase deficiency; 4 alpha aminobutyrate transaminase deficiency. Identifiers: Orphanet 2066, MedGen C0342708, MONDO:0013166, OMIM 613163.

Allele frequency attached by ClinVar (database versions not stated): gnomAD exomes 0.00006 and 0.00016; ExAC 0.00017; gnomAD 0.00040 and 0.00042; ESP Exome Variant Server 0.00046; TOPMed 0.00046; 1000 Genomes Project 30x 0.00047; 1000 Genomes Project 0.00060.
gnomAD v4.1: 155 of 1,614,018 alleles (0.0096%); highest among the groups gnomAD compares: African/African-American, 0.099%; no homozygotes.

Submissions (5):

Labcorp Genetics (formerly Invitae), Labcorp
Classification: Uncertain significance for Gamma-aminobutyric acid transaminase deficiency. Last evaluated: 2022-10-24. Review status: criteria provided, single submitter. Criteria: Invitae Variant Classification Sherloc (09022015). Collection method: clinical testing. Allele origin: germline.
Comment: This sequence change replaces valine, which is neutral and non-polar, with isoleucine, which is neutral and non-polar, at codon 37 of the ABAT protein (p.Val37Ile). This variant is present in population databases (rs140119176, gnomAD 0.1%). This variant has not been reported in the literature in individuals affected with ABAT-related conditions. ClinVar contains an entry for this variant (Variation ID: 500579). Algorithms developed to predict the effect of missense changes on protein structure and function output the following: SIFT: "Tolerated"; PolyPhen-2: "Benign"; Align-GVGD: "Class C0". The isoleucine amino acid residue is found in multiple mammalian species, which suggests that this missense change does not adversely affect protein function. In summary, the available evidence is currently insufficient to determine the role of this variant in disease. Therefore, it has been classified as a Variant of Uncertain Significance.

Ambry Genetics
Classification: Uncertain significance for Inborn genetic diseases. Last evaluated: 2021-02-19. Review status: criteria provided, single submitter. Criteria: Ambry Variant Classification Scheme 2023. Collection method: clinical testing. Allele origin: germline.
Comment: The c.109G>A (p.V37I) alteration is located in exon 3 (coding exon 2) of the ABAT gene. This alteration results from a G to A substitution at nucleotide position 109, causing the valine (V) at amino acid position 37 to be replaced by an isoleucine (I). The p.V37I alteration is predicted to be tolerated by in silico analysis. Based on insufficient or conflicting evidence, the clinical significance of this alteration remains unclear.

Illumina Laboratory Services, Illumina
Classification: Uncertain significance for Gamma-aminobutyric acid transaminase deficiency. Last evaluated: 2018-01-13. Review status: criteria provided, single submitter. Criteria: ICSL Variant Classification Criteria 13 December 2019. Collection method: clinical testing. Allele origin: germline.

Eurofins Ntd Llc (ga)
Classification: Uncertain significance. Last evaluated: 2017-03-14. Review status: criteria provided, single submitter. Criteria: EGL Classification Definitions 2015. Collection method: clinical testing. Allele origin: germline. Observed: 1 variant allele, 1 heterozygote.

Breakthrough Genomics
Classification: Uncertain significance. Review status: criteria provided, single submitter. Criteria: ACMG Guidelines, 2015. Collection method: not provided. Allele origin: germline. Inheritance: Autosomal recessive inheritance. Affected: yes.

NM_020686.6(ABAT):c.109G>A (p.Val37Ile)

Gene: ABAT (4-aminobutyrate aminotransferase; plus strand). Cytogenetic location: 16p13.2.
Variant type: single nucleotide variant.
Coding change: c.109G>A on transcript NM_020686.6 (MANE Select); coding-DNA position 109, G replaced by A.
Protein change: p.Val37Ile; replaces valine 37 with isoleucine.
Molecular consequence: missense variant. On other transcripts: 5 prime UTR variant (3), intron variant (2).
Genome position (GRCh38, 1-based): chr16:8,746,039, G>A. VCF-style: chr16-8746039-G-A. GRCh37 (hg19) VCF-style: chr16-8839896-G-A.
Other names: c.109G>A, p.Val37Ile (NM_000663.5, NM_001127448.2, NM_001386600.1 and 11 more transcripts); c.-27G>A (NM_001386611.1, NM_001386612.1, NM_001386613.1); c.71-2069G>A (NM_001386610.1); c.70+10230G>A (NM_001386614.1); short protein forms V37I.
Identifiers: ClinVar variation 500579 (VCV000500579.16), dbSNP rs140119176, ClinGen allele CA7892962.